The following is an entry in ClinVar:

ClinVar aggregate classification (germline): Uncertain significance. Review status: criteria provided, multiple submitters, no conflicts (2 of 4 stars). 2 submissions from 2 submitters: Uncertain significance (2). Last evaluated 2024-11-13.

Conditions:
Familial cancer of breast. Also called: hereditary breast carcinoma; BREAST CANCER, FAMILIAL; Hereditary breast cancer. Identifiers: Orphanet 227535, MedGen C0346153, MONDO:0016419, OMIM 114480. Disease mechanism: loss of function.
Fanconi anemia complementation group J. Also called: BRIP1-Related Fanconi Anemia. Identifiers: Orphanet 84, MedGen C1836860, MONDO:0012187, OMIM 609054.
Hereditary cancer-predisposing syndrome. Also called: Hereditary Cancer Syndrome; Tumor predisposition; Neoplastic Syndromes, Hereditary; Hereditary neoplastic syndrome. Identifiers: Orphanet 140162, MedGen C0027672, MeSH D009386, MONDO:0015356.

Submissions (2):

Ambry Genetics
Classification: Uncertain significance for Hereditary cancer-predisposing syndrome. Last evaluated: 2024-11-13. Review status: criteria provided, single submitter. Criteria: Ambry Variant Classification Scheme 2023. Collection method: clinical testing. Allele origin: germline.
Comment: The p.F17L variant (also known as c.49T>C), located in coding exon 1 of the BRIP1 gene, results from a T to C substitution at nucleotide position 49. The phenylalanine at codon 17 is replaced by leucine, an amino acid with highly similar properties. This amino acid position is highly conserved in available vertebrate species. In addition, this alteration is predicted to be deleterious by in silico analysis. Based on the available evidence, the clinical significance of this variant remains unclear.

Labcorp Genetics (formerly Invitae), Labcorp
Classification: Uncertain significance for Familial cancer of breast; Fanconi anemia complementation group J. Last evaluated: 2018-12-08. Review status: criteria provided, single submitter. Criteria: Invitae Variant Classification Sherloc (09022015). Collection method: clinical testing. Allele origin: germline.
Comment: This sequence change replaces phenylalanine with leucine at codon 17 of the BRIP1 protein (p.Phe17Leu). The phenylalanine residue is highly conserved and there is a small physicochemical difference between phenylalanine and leucine. In summary, the available evidence is currently insufficient to determine the role of this variant in disease. Therefore, it has been classified as a Variant of Uncertain Significance. Algorithms developed to predict the effect of missense changes on protein structure and function are either unavailable or do not agree on the potential impact of this missense change (SIFT: "Tolerated"; PolyPhen-2: "Probably Damaging"; Align-GVGD: "Class C0"). This variant has not been reported in the literature in individuals with BRIP1-related conditions. This variant is not present in population databases (ExAC no frequency).

NM_032043.3(BRIP1):c.49T>C (p.Phe17Leu)

Gene: BRIP1 (BRCA1 interacting DNA helicase 1; minus strand). Cytogenetic location: 17q23.2.
Variant type: single nucleotide variant.
Coding change: c.49T>C on transcript NM_032043.3 (MANE Select); coding-DNA position 49, T replaced by C.
Protein change: p.Phe17Leu; replaces phenylalanine 17 with leucine.
Molecular consequence: missense variant.
Genome position (GRCh38, 1-based): chr17:61,861,491, A>G on the plus strand (T>C on the coding strand, the complement: BRIP1 is on the minus strand). VCF-style: chr17-61861491-A-G. GRCh37 (hg19) VCF-style: chr17-59938852-A-G.
Other names: short protein forms F17L.
Identifiers: ClinVar variation 652825 (VCV000652825.10), dbSNP rs1603368465, ClinGen allele CA400485995.
Genomic context (GRCh38, chr17:61,861,491, plus strand): 5'-GCTGAAAAATACTTACAGAATTCATCATAGCAAGCTGTGACGGGTAAGCTTTATAAGGAA[A>G]GTAAATCTTCACCCCACCAATTGTATATTCAGACCACATTGAAGACATAGTGCTTTCCTG-3'
Protein context (NP_114432.2, residues 7-27): EYTIGGVKIY[Phe17Leu]PYKAYPSQLA